The following is an entry in ClinVar:

NM_033305.3(VPS13A):c.7154dup (p.Leu2386fs)

Gene: VPS13A (vacuolar protein sorting 13 homolog A; plus strand). Cytogenetic location: 9q21.2.
Variant type: Duplication.
Coding change: c.7154dup on transcript NM_033305.3 (MANE Select); coding-DNA position 7154, one base duplicated (A; older notation c.7154dupA).
Protein change: p.Leu2386fs; shifts the reading frame from leucine 2386.
Molecular consequence: frameshift variant.
Genome position (GRCh38, 1-based): chr9:77,344,280, A duplicated. VCF-style (leftmost placement, unchanged base first): chr9-77344279-G-GA. GRCh37 (hg19) VCF-style: chr9-79959195-G-GA.
Other names: c.7037dup, p.Leu2347fs (NM_001018037.2); c.7154dup, p.Leu2386fs (NM_001018038.3, NM_015186.4); short protein forms L2347fs, L2386fs.
Identifiers: ClinVar variation 5013786 (VCV005013786.1).

ClinVar aggregate classification (germline): Pathogenic (1 of 4 stars; one submission).

Conditions:
VPS13A-related neurodegenerative disease. Also called: ACANTHOCYTOSIS WITH NEUROLOGIC DISORDER; LEVINE-CRITCHLEY SYNDROME; Choreoacanthocytosis; Chorea-acanthocytosis; Choreaacanthocytosis; VPS13A Disease. Identifiers: Orphanet 2388, MedGen C0393576, MONDO:0008695, OMIM 200150.

Submission:

Myriad Genetics, Inc.
Classification: Pathogenic for VPS13A-related neurodegenerative disease. Last evaluated: 2024-11-22. Review status: criteria provided, single submitter. Criteria: Myriad Autosomal Dominant, Autosomal Recessive and X-Linked Classification Criteria (2023). Collection method: clinical testing. Allele origin: unknown.
Comment: NM_033305.2(VPS13A):c.7154dupA(L2386Afs*24) is expected to be pathogenic in the context of VPS13A disease. This variant is predicted to lead to an abnormal or absent protein product due to the creation of a premature termination codon in VPS13A, a gene where loss-of-function variants are known to be pathogenic. Please note: this variant was assessed in the context of healthy population screening.